The following is an entry in ClinVar:

NM_170606.3(KMT2C):c.9949A>G (p.Thr3317Ala)

Gene: KMT2C (lysine methyltransferase 2C; minus strand). Cytogenetic location: 7q36.1.
Variant type: single nucleotide variant.
Coding change: c.9949A>G on transcript NM_170606.3 (MANE Select); coding-DNA position 9949, A replaced by G.
Protein change: p.Thr3317Ala; replaces threonine 3317 with alanine.
Molecular consequence: missense variant.
Genome position (GRCh38, 1-based): chr7:152,163,628, T>C on the plus strand (A>G on the coding strand, the complement: KMT2C is on the minus strand). VCF-style: chr7-152163628-T-C. GRCh37 (hg19) VCF-style: chr7-151860713-T-C.
Other names: short protein forms T3317A.
Identifiers: ClinVar variation 2478736 (VCV002478736.4), dbSNP rs1173057703, ClinGen allele CA370105380.

ClinVar aggregate classification (germline): Uncertain significance. Review status: criteria provided, multiple submitters, no conflicts (2 of 4 stars). 2 submissions from 2 submitters: Uncertain significance (2). Last evaluated 2025-11-25.

Conditions:
KMT2C-related disorder. Also called: KMT2C-related condition; KMT2C-related disorders.
Inborn genetic diseases. Identifiers: MedGen C0950123, MeSH D030342.

Submissions (2):

PreventionGenetics, part of Exact Sciences
Classification: Uncertain significance for KMT2C-related condition. Last evaluated: 2025-11-25. Review status: criteria provided, single submitter. Criteria: ACMG Guidelines, 2015. Collection method: clinical testing. Allele origin: germline.
Comment: The KMT2C c.9949A>G variant is predicted to result in the amino acid substitution p.Thr3317Ala. To our knowledge, this variant has not been reported in the literature. This variant is reported in 0.0065% of alleles in individuals of European (Non-Finnish) descent in gnomAD. At this time, the clinical significance of this variant is uncertain due to the absence of conclusive functional and genetic evidence.

Ambry Genetics
Classification: Uncertain significance for Inborn genetic diseases. Last evaluated: 2023-01-24. Review status: criteria provided, single submitter. Criteria: Ambry Variant Classification Scheme 2023. Collection method: clinical testing. Allele origin: germline.